The following is an entry in ClinVar:

NM_001085411.3(NADK2):c.394G>A (p.Glu132Lys)

Gene: NADK2 (NAD kinase 2, mitochondrial; minus strand). Cytogenetic location: 5p13.2.
Variant type: single nucleotide variant.
Coding change: c.394G>A on transcript NM_001085411.3 (MANE Select); coding-DNA position 394, G replaced by A.
Protein change: p.Glu132Lys; replaces glutamic acid 132 with lysine.
Molecular consequence: missense variant. On other transcripts: 5 prime UTR variant (3).
Genome position (GRCh38, 1-based): chr5:36,226,559, C>T on the plus strand (G>A on the coding strand, the complement: NADK2 is on the minus strand). VCF-style: chr5-36226559-C-T. GRCh37 (hg19) VCF-style: chr5-36226661-C-T.
Other names: c.-96G>A (NM_001287340.2, NM_001287341.2, NM_153013.5); short protein forms E132K.
Identifiers: ClinVar variation 2091367 (VCV002091367.4), dbSNP rs2546206524, ClinGen allele CA359444579.

ClinVar aggregate classification (germline): Uncertain significance (1 of 4 stars; one submission).

Conditions:
Progressive encephalopathy with leukodystrophy due to DECR deficiency. Identifiers: Orphanet 431361, MedGen C1857252, MONDO:0014464, OMIM 616034.

Submission:

Labcorp Genetics (formerly Invitae), Labcorp
Classification: Uncertain significance for Progressive encephalopathy with leukodystrophy due to DECR deficiency. Last evaluated: 2022-07-21. Review status: criteria provided, single submitter. Criteria: Invitae Variant Classification Sherloc (09022015). Collection method: clinical testing. Allele origin: germline.
Comment: Algorithms developed to predict the effect of missense changes on protein structure and function (SIFT, PolyPhen-2, Align-GVGD) all suggest that this variant is likely to be tolerated. This variant has not been reported in the literature in individuals affected with NADK2-related conditions. This variant is not present in population databases (gnomAD no frequency). This sequence change replaces glutamic acid, which is acidic and polar, with lysine, which is basic and polar, at codon 132 of the NADK2 protein (p.Glu132Lys). In summary, the available evidence is currently insufficient to determine the role of this variant in disease. Therefore, it has been classified as a Variant of Uncertain Significance.